The following is an entry in ClinVar:

NM_001278512.2(AP3B2):c.2600C>T (p.Pro867Leu)

Genes: AP3B2 (adaptor related protein complex 3 subunit beta 2; minus strand), CPEB1-AS1 (CPEB1 antisense RNA 1; plus strand). Cytogenetic location: 15q25.2.
Variant type: single nucleotide variant.
Coding change: c.2600C>T on transcript NM_001278512.2 (MANE Select); coding-DNA position 2600, C replaced by T.
Protein change: p.Pro867Leu; replaces proline 867 with leucine.
Molecular consequence: missense variant.
Genome position (GRCh38, 1-based): chr15:82,663,131, G>A on the plus strand (C>T on the coding strand, the complement: AP3B2 is on the minus strand). VCF-style: chr15-82663131-G-A. GRCh37 (hg19) VCF-style: chr15-83331883-G-A.
Other names: c.2447C>T, p.Pro816Leu (NM_001278511.2); c.2543C>T, p.Pro848Leu (NM_004644.5); c.2600C>T (NM_001278512.1); short protein forms P848L, P867L, P816L.
Identifiers: ClinVar variation 1464052 (VCV001464052.5), dbSNP rs374804698, ClinGen allele CA7699852.

ClinVar aggregate classification (germline): Uncertain significance. Review status: criteria provided, multiple submitters, no conflicts (2 of 4 stars). 2 submissions from 2 submitters: Uncertain significance (2). Last evaluated 2024-10-09.

Conditions:
Developmental and epileptic encephalopathy, 48 (DEE48). Also called: Epileptic encephalopathy, early infantile, 48. Identifiers: MedGen C4310637, MONDO:0015000, OMIM 617276.

Allele frequency attached by ClinVar (database versions not stated): gnomAD exomes 0.00001 and 0.00003; gnomAD 0.00003 and 0.00005; ExAC 0.00004; TOPMed 0.00006; ESP Exome Variant Server 0.00008.
gnomAD v4.1: 21 of 1,609,336 alleles (0.0013%); highest among the groups gnomAD compares: African/African-American, 0.017%; no homozygotes.

Submissions (2):

Victorian Clinical Genetics Services, Murdoch Childrens Research Institute
Classification: Uncertain significance for Developmental and epileptic encephalopathy, 48. Last evaluated: 2024-10-09. Review status: criteria provided, single submitter. Criteria: ACMG Guidelines, 2015. Collection method: clinical testing. Allele origin: germline. Inheritance: Autosomal recessive inheritance. Affected: yes.
Comment: Based on the classification scheme VCGS_Germline_v1.3.4, this variant is classified as VUS-3B. Following criteria are met: 0102 - Loss of function is a known mechanism of disease in this gene and is associated with developmental and epileptic encephalopathy 48 (MIM#617276). (I) 0106 - This gene is associated with autosomal recessive disease. (I) 0200 - Variant is predicted to result in a missense amino acid change from proline to leucine. (I) 0252 - This variant is homozygous. (I) 0304 - Variant is present in gnomAD <0.01 for a recessive condition (v2: 8 heterozygotes, 0 homozygotes). (SP) 0502 - Missense variant with conflicting in silico predictions and high conservation. (I) 0600 - Variant is located in the annotated AP3B1_C domain (NCBI). (I) 0710 - Another missense variant comparable to the one identified in this case has inconclusive previous evidence for pathogenicity. An alternative change, p.(Pro867Ser), has been classified as a VUS by a clinical laboratory in ClinVar. (I) 0809 - Previous evidence of pathogenicity for this variant is inconclusive. This variant has been classified as a VUS by a clinical laboratory in ClinVar. (I) 0905 - No published segregation evidence has been identified for this variant. (I) 1007 - No published functional evidence has been identified for this variant. (I) Legend: (SP) - Supporting pathogenic, (I) - Information, (SB) - Supporting benign

Labcorp Genetics (formerly Invitae), Labcorp
Classification: Uncertain significance. Last evaluated: 2024-01-15. Review status: criteria provided, single submitter. Criteria: Invitae Variant Classification Sherloc (09022015). Collection method: clinical testing. Allele origin: germline.
Comment: This sequence change replaces proline, which is neutral and non-polar, with leucine, which is neutral and non-polar, at codon 848 of the AP3B2 protein (p.Pro848Leu). This variant is present in population databases (rs374804698, gnomAD 0.03%). This variant has not been reported in the literature in individuals affected with AP3B2-related conditions. ClinVar contains an entry for this variant (Variation ID: 1464052). An algorithm developed to predict the effect of missense changes on protein structure and function (PolyPhen-2) suggests that this variant is likely to be disruptive. In summary, the available evidence is currently insufficient to determine the role of this variant in disease. Therefore, it has been classified as a Variant of Uncertain Significance.